The following is an entry in ClinVar:

ClinVar aggregate classification (germline): Likely benign (0 of 4 stars; one submission).

Conditions:
BBS2-related disorder. Also called: BBS2-related disorders; BBS2-related condition. Identifiers: MedGen CN239228.

Submission:

PreventionGenetics, part of Exact Sciences
Classification: Likely benign for BBS2-related condition. Last evaluated: 2020-06-22. Review status: no assertion criteria provided. Collection method: clinical testing. Allele origin: germline.
Comment: This variant is classified as likely benign based on ACMG/AMP sequence variant interpretation guidelines (Richards et al. 2015 PMID: 25741868, with internal and published modifications).

NM_031885.5(BBS2):c.1226-5T>G

Gene: BBS2 (Bardet-Biedl syndrome 2; minus strand). Cytogenetic location: 16q13.
Variant type: single nucleotide variant.
Coding change: c.1226-5T>G on transcript NM_031885.5 (MANE Select); 5 bases into the intron before coding-DNA position 1226, T replaced by G.
Molecular consequence: intron variant.
Genome position (GRCh38, 1-based): chr16:56,501,030, A>C on the plus strand (T>G on the coding strand, the complement: BBS2 is on the minus strand). VCF-style: chr16-56501030-A-C. GRCh37 (hg19) VCF-style: chr16-56534942-A-C.
Other names: c.1226-5T>G (NM_001377456.1).
Identifiers: ClinVar variation 3351730 (VCV003351730.1).